The following is an entry in ClinVar:

ClinVar aggregate classification (germline): Uncertain significance (1 of 4 stars; one submission).

Submission:

GeneDx
Classification: Uncertain significance. Last evaluated: 2024-12-05. Review status: criteria provided, single submitter. Criteria: GeneDx Variant Classification Process June 2021. Collection method: clinical testing. Allele origin: germline. Affected: yes.
Comment: Not observed at significant frequency in large population cohorts (gnomAD); In silico analysis supports that this missense variant has a deleterious effect on protein structure/function; Has not been previously published as pathogenic or benign to our knowledge

NM_001256864.2(DNAJC6):c.1034T>C (p.Leu345Ser)

Gene: DNAJC6 (DnaJ heat shock protein family (Hsp40) member C6; plus strand). Cytogenetic location: 1p31.3.
Variant type: single nucleotide variant.
Coding change: c.1034T>C on transcript NM_001256864.2 (MANE Select); coding-DNA position 1034, T replaced by C.
Protein change: p.Leu345Ser; replaces leucine 345 with serine.
Molecular consequence: missense variant.
Genome position (GRCh38, 1-based): chr1:65,386,850, T>C. VCF-style: chr1-65386850-T-C. GRCh37 (hg19) VCF-style: chr1-65852533-T-C.
Other names: c.824T>C, p.Leu275Ser (NM_001256865.2); c.863T>C, p.Leu288Ser (NM_014787.4); short protein forms L275S, L288S, L345S.
Identifiers: ClinVar variation 3901768 (VCV003901768.1).
Genomic context (GRCh38, chr1:65,386,850, plus strand): 5'-ATATTTTGGTCTGTGTTTACAGAGAATATCGTGTCCAAGATGGAAAAATCTTCATTCCCT[T>C]GAACATCACTGTGCAAGGAGACGTGGTTGTTTCCATGTATCACTTGAGGTCAACCATTGG-3'
Protein context (NP_001243793.1, residues 335-355): RVQDGKIFIP[Leu345Ser]NITVQGDVVV